The following is an entry in ClinVar:

NM_000492.4(CFTR):c.579+1_579+2insACAT

Gene: CFTR (CF transmembrane conductance regulator; plus strand). Cytogenetic location: 7q31.2.
Variant type: Insertion.
Coding change: c.579+1_579+2insACAT on transcript NM_000492.4 (MANE Select); the canonical splice donor site of the intron after coding-DNA position 579, ACAT inserted.
Molecular consequence: splice donor variant.
Genome position: GRCh38 VCF-style: chr7-117534366-G-GACAT. GRCh37 (hg19) VCF-style: chr7-117174420-G-GACAT.
Identifiers: ClinVar variation 1458639 (VCV001458639.8), dbSNP rs2116675185, ClinGen allele CA2573141552.
Genomic context (GRCh38, chr7:117,534,366, plus strand): 5'-AAAATAAGTATTGGACAACTTGTTAGTCTCCTTTCCAACAACCTGAACAAATTTGATGAA[G>GACAT]TATGTACCTATTGATTTAATCTTTTAGGCACTATTGTTATAAATTATACAACTGGAAAGG-3'

ClinVar aggregate classification (germline): Pathogenic (1 of 4 stars; one submission).

Conditions:
Cystic fibrosis (CF). Also called: MUCOVISCIDOSIS. Identifiers: Orphanet 586, MedGen C0010674, MONDO:0009061, OMIM 219700. Disease mechanism: loss of function.

Submission:

Labcorp Genetics (formerly Invitae), Labcorp
Classification: Pathogenic for Cystic fibrosis. Last evaluated: 2020-12-03. Review status: criteria provided, single submitter. Criteria: Invitae Variant Classification Sherloc (09022015). Collection method: clinical testing. Allele origin: germline.
Comment: For these reasons, this variant has been classified as Pathogenic. Algorithms developed to predict the effect of sequence changes on RNA splicing suggest that this variant may disrupt the consensus splice site, but this prediction has not been confirmed by published transcriptional studies. Disruption of this splice site has been observed in individual(s) with cystic fibrosis (PMID: 28608624, 20880762). In at least one individual the data is consistent with the variant being in trans (on the opposite chromosome) from a pathogenic variant. This variant is not present in population databases (ExAC no frequency). This sequence change affects a donor splice site in intron 5 of the CFTR gene. It is expected to disrupt RNA splicing. Variants that disrupt the donor or acceptor splice site typically lead to a loss of protein function (PMID: 16199547), and loss-of-function variants in CFTR are known to be pathogenic (PMID: 1695717, 7691345, 9725922).

Literature cited by the submitters: PubMed 28608624; PubMed 20880762; PubMed 16199547; PubMed 1695717; PubMed 7691345; PubMed 9725922.